The following is an entry in ClinVar:

ClinVar aggregate classification (germline): Uncertain significance. Review status: criteria provided, multiple submitters, no conflicts (2 of 4 stars). 2 submissions from 2 submitters: Uncertain significance (2). Last evaluated 2025-04-15.

Conditions:
NKAP-related disorder. Also called: NKAP-related condition.
Inborn genetic diseases. Identifiers: MedGen C0950123, MeSH D030342.

Allele frequency attached by ClinVar (database versions not stated): ExAC 0.00001; gnomAD 0.00001; TOPMed 0.00001; gnomAD exomes 0.00002; ESP Exome Variant Server 0.00009.
gnomAD v4.1: 27 of 1,210,884 alleles (0.0022%); highest among the groups gnomAD compares: Middle Eastern, 0.046%; no homozygotes.

Submissions (2):

Ambry Genetics
Classification: Uncertain significance for Inborn genetic diseases. Last evaluated: 2025-04-15. Review status: criteria provided, single submitter. Criteria: Ambry Variant Classification Scheme 2023. Collection method: clinical testing. Allele origin: germline.

PreventionGenetics, part of Exact Sciences
Classification: Uncertain significance for NKAP-related condition. Last evaluated: 2022-09-22. Review status: criteria provided, single submitter. Criteria: ACMG Guidelines, 2015. Collection method: clinical testing. Allele origin: germline.
Comment: The NKAP c.295G>A variant is predicted to result in the amino acid substitution p.Val99Ile. To our knowledge, this variant has not been reported in the literature. This variant is reported in 0.0037% of alleles in individuals of European (Non-Finnish) descent in gnomAD. At this time, the clinical significance of this variant is uncertain due to the absence of conclusive functional and genetic evidence.

NM_024528.4(NKAP):c.295G>A (p.Val99Ile)

Gene: NKAP (NFKB activating protein; minus strand). Cytogenetic location: Xq24.
Variant type: single nucleotide variant.
Coding change: c.295G>A on transcript NM_024528.4 (MANE Select); coding-DNA position 295, G replaced by A.
Protein change: p.Val99Ile; replaces valine 99 with isoleucine.
Molecular consequence: missense variant.
Genome position (GRCh38, 1-based): chrX:119,943,311, C>T on the plus strand (G>A on the coding strand, the complement: NKAP is on the minus strand). VCF-style: chrX-119943311-C-T. GRCh37 (hg19) VCF-style: chrX-119077274-C-T.
Other names: short protein forms V99I.
Identifiers: ClinVar variation 2631853 (VCV002631853.2), dbSNP rs144649659, ClinGen allele CA10503916.